The following is an entry in ClinVar:

NM_001283009.2(RTEL1):c.2557G>A (p.Ala853Thr)

Genes: RTEL1 (regulator of telomere elongation helicase 1; plus strand), RTEL1-TNFRSF6B (RTEL1-TNFRSF6B readthrough (NMD candidate); plus strand). Cytogenetic location: 20q13.33.
Variant type: single nucleotide variant.
Coding change: c.2557G>A on transcript NM_001283009.2 (MANE Select); coding-DNA position 2557, G replaced by A.
Protein change: p.Ala853Thr; replaces alanine 853 with threonine.
Molecular consequence: missense variant. On other transcripts: non-coding transcript variant (1).
Genome position (GRCh38, 1-based): chr20:63,691,742, G>A. VCF-style: chr20-63691742-G-A. GRCh37 (hg19) VCF-style: chr20-62323095-G-A.
Other names: c.1888G>A, p.Ala630Thr (NM_001283010.1); c.2557G>A, p.Ala853Thr (NM_016434.4); c.2629G>A, p.Ala877Thr (NM_032957.5); short protein forms A853T, A877T, A630T.
Identifiers: ClinVar variation 4157662 (VCV004157662.1).
Genomic context (GRCh38, chr20:63,691,742, plus strand): 5'-TTGGGACCCCAGAGTGTGTGGTTGGGGTCTGTGTGTGGTTGTGAGCTGTGTCCTCCTCAG[G>A]CCCACAGCTGCTCCACCCTGTCCCTCCTGTCTGAGAAGAGGCCGGCAGAAGAACCGCGAG-3'
Protein context (NP_001269938.1, residues 843-863): QRAGSPGEEQ[Ala853Thr]HSCSTLSLLS

ClinVar aggregate classification (germline): Uncertain significance (1 of 4 stars; one submission).

Conditions:
Inborn genetic diseases. Identifiers: MedGen C0950123, MeSH D030342.

gnomAD v4.1: 2 of 1,612,120 alleles (0.00012%); highest among the groups gnomAD compares: South Asian, 0.0022%; no homozygotes.

Submission:

Ambry Genetics
Classification: Uncertain significance for Inborn genetic diseases. Last evaluated: 2025-08-12. Review status: criteria provided, single submitter. Criteria: Ambry Variant Classification Scheme 2023. Collection method: clinical testing. Allele origin: germline.
Comment: The p.A853T variant (also known as c.2557G>A) is located in coding exon 27 of the RTEL1 gene. The alanine at codon 853 is replaced by threonine, an amino acid with similar properties. This change occurs in the first base pair of coding exon 27. This amino acid position is conserved. In addition, this alteration is predicted to be tolerated by in silico analysis. Based on the available evidence, the clinical significance of this variant remains unclear.